The following is an entry in ClinVar:

NM_144997.7(FLCN):c.994C>T (p.Leu332Phe)

Gene: FLCN (folliculin; minus strand). Cytogenetic location: 17p11.2.
Variant type: single nucleotide variant.
Coding change: c.994C>T on transcript NM_144997.7 (MANE Select); coding-DNA position 994, C replaced by T.
Protein change: p.Leu332Phe; replaces leucine 332 with phenylalanine.
Molecular consequence: missense variant.
Genome position (GRCh38, 1-based): chr17:17,219,087, G>A on the plus strand (C>T on the coding strand, the complement: FLCN is on the minus strand). VCF-style: chr17-17219087-G-A. GRCh37 (hg19) VCF-style: chr17-17122401-G-A.
Other names: c.1048C>T, p.Leu350Phe (NM_001353229.2); c.994C>T, p.Leu332Phe (NM_001353230.2, NM_001353231.2); short protein forms L350F, L332F.
Identifiers: ClinVar variation 3703147 (VCV003703147.3).
Genomic context (GRCh38, chr17:17,219,087, plus strand): 5'-TGTGCCGGAGGGACTTGAAGACTGGCAGCTTCCGGGGCTGCCAGCTCCCACAGCCTGAGA[G>A]AGAGGAGGACTCTGCCGGGCCCTGGGTCAGCTCCCGCCCTTCTGTACTCTCTGGCAACAC-3'
Protein context (NP_659434.2, residues 322-342): LTQGPAESSS[Leu332Phe]SGCGSWQPRK

ClinVar aggregate classification (germline): Uncertain significance. Review status: criteria provided, multiple submitters, no conflicts (2 of 4 stars). 2 submissions from 2 submitters: Uncertain significance (2). Last evaluated 2024-12-12.

Conditions:
Hereditary cancer-predisposing syndrome. Also called: Hereditary Cancer Syndrome; Neoplastic Syndromes, Hereditary; Tumor predisposition; Hereditary neoplastic syndrome. Identifiers: Orphanet 140162, MedGen C0027672, MeSH D009386, MONDO:0015356.
Birt-Hogg-Dube syndrome. Also called: Birt Hogg Dubé syndrome. Identifiers: Orphanet 122, MedGen C0346010, MONDO:0800444.

Submissions (2):

Ambry Genetics
Classification: Uncertain significance for Hereditary cancer-predisposing syndrome. Last evaluated: 2024-12-12. Review status: criteria provided, single submitter. Criteria: Ambry Variant Classification Scheme 2023. Collection method: clinical testing. Allele origin: germline.
Comment: The p.L332F variant (also known as c.994C>T), located in coding exon 6 of the FLCN gene, results from a C to T substitution at nucleotide position 994. The leucine at codon 332 is replaced by phenylalanine, an amino acid with highly similar properties. This amino acid position is not well conserved in available vertebrate species. In addition, this alteration is predicted to be tolerated by in silico analysis. Based on the available evidence, the clinical significance of this variant remains unclear.

Labcorp Genetics (formerly Invitae), Labcorp
Classification: Uncertain significance for Birt-Hogg-Dube syndrome. Last evaluated: 2024-12-02. Review status: criteria provided, single submitter. Criteria: Invitae Variant Classification Sherloc (09022015). Collection method: clinical testing. Allele origin: germline.
Comment: This sequence change replaces leucine, which is neutral and non-polar, with phenylalanine, which is neutral and non-polar, at codon 332 of the FLCN protein (p.Leu332Phe). This variant is not present in population databases (gnomAD no frequency). This variant has not been reported in the literature in individuals affected with FLCN-related conditions. Invitae Evidence Modeling of protein sequence and biophysical properties (such as structural, functional, and spatial information, amino acid conservation, physicochemical variation, residue mobility, and thermodynamic stability) indicates that this missense variant is not expected to disrupt FLCN protein function with a negative predictive value of 80%. In summary, the available evidence is currently insufficient to determine the role of this variant in disease. Therefore, it has been classified as a Variant of Uncertain Significance.